The following is an entry in ClinVar:

NM_024642.5(GALNT12):c.1198C>T (p.Pro400Ser)

Gene: GALNT12 (polypeptide N-acetylgalactosaminyltransferase 12; plus strand). Cytogenetic location: 9q22.33.
Variant type: single nucleotide variant.
Coding change: c.1198C>T on transcript NM_024642.5 (MANE Select); coding-DNA position 1198, C replaced by T.
Protein change: p.Pro400Ser; replaces proline 400 with serine.
Molecular consequence: missense variant.
Genome position (GRCh38, 1-based): chr9:98,837,134, C>T. VCF-style: chr9-98837134-C-T. GRCh37 (hg19) VCF-style: chr9-101599416-C-T.
Other names: short protein forms P400S.
Identifiers: ClinVar variation 4261485 (VCV004261485.1).

ClinVar aggregate classification (germline): Uncertain significance (1 of 4 stars; one submission).

Submission:

Ambry Genetics
Classification: Uncertain significance. Last evaluated: 2025-06-28. Review status: criteria provided, single submitter. Criteria: Ambry Variant Classification Scheme 2023. Collection method: clinical testing. Allele origin: germline.
Comment: The p.P400S variant (also known as c.1198C>T), located in coding exon 6 of the GALNT12 gene, results from a C to T substitution at nucleotide position 1198. The proline at codon 400 is replaced by serine, an amino acid with similar properties. This amino acid position is conserved. In addition, the in silico prediction for this alteration is inconclusive. Based on the available evidence, the clinical significance of this variant remains unclear.